The following is an entry in ClinVar:

ClinVar aggregate classification (germline): Benign/Likely benign. Review status: criteria provided, multiple submitters, no conflicts (2 of 4 stars). 3 submissions from 3 submitters: Benign (1); Likely benign (2). Last evaluated 2026-01-19.

Conditions:
Hereditary intrinsic factor deficiency (IFD). Also called: PERNICIOUS ANEMIA, CONGENITAL, DUE TO DEFECT OF INTRINSIC FACTOR; Congenital intrinsic factor deficiency. Identifiers: Orphanet 332, MedGen C2062370, MONDO:0009852, OMIM 261000.

Allele frequency attached by ClinVar (database versions not stated): ESP Exome Variant Server 0.00008; gnomAD exomes 0.00044 and 0.00095; 1000 Genomes Project 30x 0.00062; ExAC 0.00067; 1000 Genomes Project 0.00080; gnomAD 0.00082; TOPMed 0.00105.
gnomAD v4.1: 778 of 1,608,588 alleles (0.048%); highest among the groups gnomAD compares: Admixed American, 0.52%; 3 homozygotes.

Submissions (3):

Labcorp Genetics (formerly Invitae), Labcorp
Classification: Benign for Hereditary intrinsic factor deficiency. Last evaluated: 2026-01-19. Review status: criteria provided, single submitter. Criteria: Invitae Variant Classification Sherloc (09022015). Collection method: clinical testing. Allele origin: germline.

Blueprint Genetics
Classification: Likely benign. Last evaluated: 2024-11-13. Review status: criteria provided, single submitter. Criteria: ACMG Guidelines, 2015. Collection method: clinical testing. Allele origin: germline.

Illumina Laboratory Services, Illumina
Classification: Likely benign for Hereditary intrinsic factor deficiency. Last evaluated: 2018-01-13. Review status: criteria provided, single submitter. Criteria: ICSL Variant Classification Criteria 13 December 2019. Collection method: clinical testing. Allele origin: germline.
Comment: This variant was observed in the ICSL laboratory as part of a predisposition screen in an ostensibly healthy population. It had not been previously curated by ICSL or reported in the Human Gene Mutation Database (HGMD: prior to June 1st, 2018), and was therefore a candidate for classification through an automated scoring system. Utilizing variant allele frequency, disease prevalence and penetrance estimates, and inheritance mode, an automated score was calculated to assess if this variant is too frequent to cause the disease. Based on the score and internal cut-off values, a variant classified as likely benign is not then subjected to further curation. The score for this variant resulted in a classification of likely benign for this disease.

NM_005142.3(CBLIF):c.1138G>A (p.Val380Ile)

Gene: CBLIF (cobalamin binding intrinsic factor; minus strand). Cytogenetic location: 11q12.1.
Variant type: single nucleotide variant.
Coding change: c.1138G>A on transcript NM_005142.3 (MANE Select); coding-DNA position 1138, G replaced by A.
Protein change: p.Val380Ile; replaces valine 380 with isoleucine.
Molecular consequence: missense variant.
Genome position (GRCh38, 1-based): chr11:59,831,732, C>T on the plus strand (G>A on the coding strand, the complement: CBLIF is on the minus strand). VCF-style: chr11-59831732-C-T. GRCh37 (hg19) VCF-style: chr11-59599205-C-T.
Other names: short protein forms V380I.
Identifiers: ClinVar variation 788331 (VCV000788331.13), dbSNP rs144070828, ClinGen allele CA6021374.